The following is an entry in ClinVar:

ClinVar aggregate classification (germline): Pathogenic. Review status: reviewed by expert panel (3 of 4 stars). 5 submissions from 5 submitters: Pathogenic (1). 4 of the submissions do not count toward it. Last evaluated 2016-09-08.

Conditions:
Breast-ovarian cancer, familial, susceptibility to, 2 (BROVCA2). Also called: BRCA2 Hereditary Breast and Ovarian Cancer. Identifiers: Orphanet 145, MedGen C2675520, MONDO:0012933, OMIM 612555. Disease mechanism: loss of function.
Malignant tumor of breast. Also called: Malignant breast neoplasm; Cancer breast. Identifiers: MedGen C0006142, MONDO:0007254. Disease mechanism: loss of function.

Submissions (5):

Evidence-based Network for the Interpretation of Germline Mutant Alleles (ENIGMA)
Classification: Pathogenic for Breast-ovarian cancer, familial, susceptibility to, 2. Last evaluated: 2016-09-08. Review status: reviewed by expert panel. Criteria: ENIGMA BRCA1/2 Classification Criteria (2015). Collection method: curation. Allele origin: germline.
Comment: Variant allele predicted to encode a truncated non-functional protein.

Consortium of Investigators of Modifiers of BRCA1/2 (CIMBA), c/o University of Cambridge
Classification: Pathogenic for Breast-ovarian cancer, familial, susceptibility to, 2. Last evaluated: 2015-10-02. Review status: criteria provided, single submitter. Criteria: CIMBA Mutation Classification guidelines May 2016. Collection method: clinical testing. Allele origin: germline. Not counted in ClinVar's aggregate classification.

Clinical Genetics Laboratory, Department of Pathology, Netherlands Cancer Institute
Classification: Pathogenic. Review status: no assertion criteria provided. Collection method: clinical testing. Allele origin: germline. Affected: yes. Study: VKGL Data-share Consensus. Not counted in ClinVar's aggregate classification.

Department of Pathology and Laboratory Medicine, Sinai Health System
Classification: Pathogenic for Malignant tumor of breast. Review status: no assertion criteria provided. Collection method: clinical testing. Allele origin: unknown. Affected: yes. Study: The Canadian Open Genetics Repository (COGR). Not counted in ClinVar's aggregate classification.
Comment: The BRCA2 p.Leu1152* variant was identified in the literature however the frequency of this variant in an affected population was not provided (De Leeneer 2010). The variant was also identified in dbSNP (ID: rs397507670) as "With Pathogenic allele", ClinVar (classified as pathogenic by ENIGMA, CIMBA and one clinical laboratory), LOVD 3.0 (8x as pathogenic), and in ARUP Laboratories (definitely pathogenic). The variant was not identified in COGR, Cosmic, MutDB, UMD-LSDB, BIC Database, Zhejiang University, the Exome Aggregation Consortium (August 8th 2016) or the Genome Aggregation Database (Feb 27, 2017). The c.3453del variant is predicted to cause a frameshift, which leads to a premature stop codon at position 1152. This alteration is then predicted to result in a truncated or absent protein and loss of function. Loss of function variants of the BRCA2 gene are an established mechanism of disease in hereditary breast and ovarian cancer and is the type of variant expected to cause the disorder. In summary, based on the above information, this variant meets our laboratoryâ€šÃ„Ã´s criteria to be classified as pathogenic.

Diagnostic Laboratory, Department of Genetics, University Medical Center Groningen
Classification: Pathogenic for Breast-ovarian cancer, familial, susceptibility to, 2. Review status: no assertion criteria provided. Collection method: clinical testing. Allele origin: germline. Affected: yes. Study: VKGL Data-share Consensus. Not counted in ClinVar's aggregate classification.

NM_000059.4(BRCA2):c.3453del (p.Ile1151_Leu1152insTer)

Gene: BRCA2 (BRCA2 DNA repair associated; plus strand). Cytogenetic location: 13q13.1.
Variant type: Deletion.
Coding change: c.3453del on transcript NM_000059.4 (MANE Select); coding-DNA position 3453, one base deleted (C; older notation c.3453delC).
Protein change: p.Ile1151_Leu1152insTer.
Molecular consequence: frameshift variant.
Genome position (GRCh38, 1-based): chr13:32,337,808, C deleted. VCF-style (leftmost placement, unchanged base first): chr13-32337807-TC-T. GRCh37 (hg19) VCF-style: chr13-32911944-TC-T.
Other names: c.3453delC (NM_000059.3).
Identifiers: ClinVar variation 51469 (VCV000051469.7), dbSNP rs397507670, ClinGen allele CA018090.